The following is an entry in ClinVar:

ClinVar aggregate classification (germline): Likely benign (0 of 4 stars; one submission).

Conditions:
VAMP2-related disorder. Also called: VAMP2-related condition.

Allele frequency attached by ClinVar (database versions not stated): ESP Exome Variant Server 0.00008; gnomAD 0.00019.
gnomAD v4.1: 64 of 1,614,000 alleles (0.004%); highest among the groups gnomAD compares: African/African-American, 0.075%; no homozygotes.

Submission:

PreventionGenetics, part of Exact Sciences
Classification: Likely benign for VAMP2-related condition. Last evaluated: 2022-07-20. Review status: no assertion criteria provided. Collection method: clinical testing. Allele origin: germline.
Comment: This variant is classified as likely benign based on ACMG/AMP sequence variant interpretation guidelines (Richards et al. 2015 PMID: 25741868, with internal and published modifications).

NM_014232.3(VAMP2):c.147C>T (p.Asn49=)

Gene: VAMP2 (vesicle associated membrane protein 2; minus strand). Cytogenetic location: 17p13.1.
Variant type: single nucleotide variant.
Coding change: c.147C>T on transcript NM_014232.3 (MANE Select); coding-DNA position 147, C replaced by T.
Protein change: p.Asn49=; no amino-acid change (asparagine 49 retained).
Molecular consequence: synonymous variant.
Genome position (GRCh38, 1-based): chr17:8,161,743, G>A on the plus strand (C>T on the coding strand, the complement: VAMP2 is on the minus strand). VCF-style: chr17-8161743-G-A. GRCh37 (hg19) VCF-style: chr17-8065061-G-A.
Other names: c.153C>T, p.Asn51= (NM_001330125.1).
Identifiers: ClinVar variation 3052949 (VCV003052949.2), dbSNP rs376454310, ClinGen allele CA8370372.